The following is an entry in ClinVar:

ClinVar aggregate classification (germline): Pathogenic (1 of 4 stars; one submission).

Conditions:
Arrhythmogenic cardiomyopathy with wooly hair and keratoderma. Also called: PALMOPLANTAR KERATODERMA WITH LEFT VENTRICULAR CARDIOMYOPATHY AND WOOLLY HAIR; Carvajal syndrome; Arrhythmogenic cardiomyopathy with woolly hair and keratoderma; Dilated cardiomyopathy with woolly hair and keratoderma. Identifiers: Orphanet 65282, MedGen C1854063, MONDO:0011581, OMIM 605676.
Arrhythmogenic right ventricular dysplasia 8 (ARVD8). Also called: Arrhythmogenic Right Ventricular Dysplasia/Cardiomyopathy 8; ARRHYTHMOGENIC RIGHT VENTRICULAR DYSPLASIA, FAMILIAL, 8; ARRHYTHMOGENIC RIGHT VENTRICULAR CARDIOMYOPATHY 8. Identifiers: MedGen C1843896, MONDO:0011831, OMIM 607450.

Submission:

Labcorp Genetics (formerly Invitae), Labcorp
Classification: Pathogenic for Arrhythmogenic cardiomyopathy with wooly hair and keratoderma; Arrhythmogenic right ventricular dysplasia 8. Last evaluated: 2023-10-26. Review status: criteria provided, single submitter. Criteria: Invitae Variant Classification Sherloc (09022015). Collection method: clinical testing. Allele origin: germline.
Comment: This sequence change creates a premature translational stop signal (p.Met83Alafs*9) in the DSP gene. It is expected to result in an absent or disrupted protein product. Loss-of-function variants in DSP are known to be pathogenic (PMID: 20716751, 24503780, 25227139). This variant is not present in population databases (gnomAD no frequency). This variant has not been reported in the literature in individuals affected with DSP-related conditions. For these reasons, this variant has been classified as Pathogenic.

Literature cited by the submitters: PubMed 20716751; PubMed 24503780; PubMed 25227139.

NM_004415.4(DSP):c.247_248del (p.Met83fs)

Gene: DSP (desmoplakin; plus strand). Cytogenetic location: 6p24.3.
Variant type: Deletion.
Coding change: c.247_248del on transcript NM_004415.4 (MANE Select); coding-DNA positions 247 to 248, 2 bases deleted (AT; older notation c.247_248delAT).
Protein change: p.Met83fs; shifts the reading frame from methionine 83.
Molecular consequence: frameshift variant.
Genome position (GRCh38, 1-based): chr6:7,555,794-7,555,795, AT deleted. VCF-style (leftmost placement, unchanged base first): chr6-7555793-GAT-G. GRCh37 (hg19) VCF-style: chr6-7556026-GAT-G.
Other names: c.247_248del, p.Met83fs (NM_001008844.3, NM_001319034.2, NM_001406591.1); short protein forms M83fs.
Identifiers: ClinVar variation 2953301 (VCV002953301.3), dbSNP rs2533842444, ClinGen allele CA2740094224.